The following is an entry in ClinVar:

NM_001113378.2(FANCI):c.882+2T>C

Gene: FANCI (FA complementation group I; plus strand). Cytogenetic location: 15q26.1.
Variant type: single nucleotide variant.
Coding change: c.882+2T>C on transcript NM_001113378.2 (MANE Select); the canonical splice donor site of the intron after coding-DNA position 882, T replaced by C.
Molecular consequence: splice donor variant.
Genome position (GRCh38, 1-based): chr15:89,268,527, T>C. VCF-style: chr15-89268527-T-C. GRCh37 (hg19) VCF-style: chr15-89811758-T-C.
Other names: c.882+2T>C (NM_018193.3, NM_001376911.1); c.603+2T>C (NM_001376910.1).
Identifiers: ClinVar variation 1939230 (VCV001939230.5), dbSNP rs2053066295, ClinGen allele CA393740371.

ClinVar aggregate classification (germline): Likely pathogenic (1 of 4 stars; one submission).

Conditions:
Fanconi anemia (FA). Also called: Fanconi's anemia. Identifiers: Orphanet 84, MedGen C0015625, MeSH D005199, MONDO:0019391.

Allele frequency attached by ClinVar (database versions not stated): TOPMed below 0.00001.

Submission:

Labcorp Genetics (formerly Invitae), Labcorp
Classification: Likely pathogenic for Fanconi anemia. Last evaluated: 2024-02-12. Review status: criteria provided, single submitter. Criteria: Invitae Variant Classification Sherloc (09022015). Collection method: clinical testing. Allele origin: germline.
Comment: This sequence change affects a donor splice site in intron 10 of the FANCI gene. It is expected to disrupt RNA splicing. Variants that disrupt the donor or acceptor splice site typically lead to a loss of protein function (PMID: 16199547), and loss-of-function variants in FANCI are known to be pathogenic (PMID: 17452773, 17460694). This variant is not present in population databases (gnomAD no frequency). This variant has not been reported in the literature in individuals affected with FANCI-related conditions. ClinVar contains an entry for this variant (Variation ID: 1939230). Algorithms developed to predict the effect of sequence changes on RNA splicing suggest that this variant may disrupt the consensus splice site. In summary, the currently available evidence indicates that the variant is pathogenic, but additional data are needed to prove that conclusively. Therefore, this variant has been classified as Likely Pathogenic.

Literature cited by the submitters: PubMed 16199547; PubMed 17452773; PubMed 17460694.